The following is an entry in ClinVar:

NM_001024845.3(SLC6A9):c.629T>C (p.Phe210Ser)

Gene: SLC6A9 (solute carrier family 6 member 9; minus strand). Cytogenetic location: 1p34.1.
Variant type: single nucleotide variant.
Coding change: c.629T>C on transcript NM_001024845.3 (MANE Select); coding-DNA position 629, T replaced by C.
Protein change: p.Phe210Ser; replaces phenylalanine 210 with serine.
Molecular consequence: missense variant. On other transcripts: non-coding transcript variant (1).
Genome position (GRCh38, 1-based): chr1:44,002,947, A>G on the plus strand (T>C on the coding strand, the complement: SLC6A9 is on the minus strand). VCF-style: chr1-44002947-A-G. GRCh37 (hg19) VCF-style: chr1-44468619-A-G.
Other names: c.641T>C, p.Phe214Ser (NM_001261380.2); c.296T>C, p.Phe99Ser (NM_001328626.2, NM_001328630.2); c.566T>C, p.Phe189Ser (NM_001328627.1); c.434T>C, p.Phe145Ser (NM_001328628.1); c.629T>C, p.Phe210Ser (NM_001328629.1); c.686T>C, p.Phe229Ser (NM_006934.4); c.848T>C, p.Phe283Ser (NM_201649.4); short protein forms F214S, F145S, F229S, F283S, F210S, F99S, F189S.
Identifiers: ClinVar variation 1958136 (VCV001958136.5), dbSNP rs1204518047, ClinGen allele CA340070279.

ClinVar aggregate classification (germline): Uncertain significance (1 of 4 stars; one submission).

Conditions:
Atypical glycine encephalopathy. Also called: Glycine encephalopathy with normal serum glycine. Identifiers: Orphanet 289863, MedGen C4310943, MONDO:0015010, OMIM 617301.

Allele frequency attached by ClinVar (database versions not stated): gnomAD exomes below 0.00001.
gnomAD v4.1: 1 of 1,613,988 alleles (0.000062%); highest among the groups gnomAD compares: Admixed American, 0.0017%; no homozygotes.

Submission:

Labcorp Genetics (formerly Invitae), Labcorp
Classification: Uncertain significance for Atypical glycine encephalopathy. Last evaluated: 2025-02-24. Review status: criteria provided, single submitter. Criteria: Invitae Variant Classification Sherloc (09022015). Collection method: clinical testing. Allele origin: germline.
Comment: This sequence change replaces phenylalanine, which is neutral and non-polar, with serine, which is neutral and polar, at codon 283 of the SLC6A9 protein (p.Phe283Ser). This variant is present in population databases (no rsID available, gnomAD 0.003%). This variant has not been reported in the literature in individuals affected with SLC6A9-related conditions. ClinVar contains an entry for this variant (Variation ID: 1958136). An algorithm developed to predict the effect of missense changes on protein structure and function (PolyPhen-2) suggests that this variant is likely to be disruptive. In summary, the available evidence is currently insufficient to determine the role of this variant in disease. Therefore, it has been classified as a Variant of Uncertain Significance.